The following is an entry in ClinVar:

ClinVar aggregate classification (germline): Pathogenic. Review status: criteria provided, multiple submitters, no conflicts (2 of 4 stars). 2 submissions from 2 submitters: Pathogenic (2). Last evaluated 2024-06-21.

Conditions:
Hereditary cancer-predisposing syndrome. Also called: Neoplastic Syndromes, Hereditary; Tumor predisposition; Hereditary neoplastic syndrome; Hereditary Cancer Syndrome. Identifiers: Orphanet 140162, MedGen C0027672, MeSH D009386, MONDO:0015356.

Submissions (2):

Labcorp Genetics (formerly Invitae), Labcorp
Classification: Pathogenic. Last evaluated: 2024-06-21. Review status: criteria provided, single submitter. Criteria: Invitae Variant Classification Sherloc (09022015). Collection method: clinical testing. Allele origin: germline.
Comment: This sequence change creates a premature translational stop signal (p.Lys687Asnfs*4) in the MSH3 gene. It is expected to result in an absent or disrupted protein product. Loss-of-function variants in MSH3 are known to be pathogenic (PMID: 27476653, 37402566). This variant is not present in population databases (gnomAD no frequency). This variant has not been reported in the literature in individuals affected with MSH3-related conditions. ClinVar contains an entry for this variant (Variation ID: 2451062). For these reasons, this variant has been classified as Pathogenic.

Ambry Genetics
Classification: Pathogenic for Hereditary cancer-predisposing syndrome. Last evaluated: 2023-01-20. Review status: criteria provided, single submitter. Criteria: Ambry Variant Classification Scheme 2023. Collection method: clinical testing. Allele origin: germline.
Comment: The c.2061_2062delGA pathogenic mutation, located in coding exon 14 of the MSH3 gene, results from a deletion of two nucleotides at nucleotide positions 2061 to 2062, causing a translational frameshift with a predicted alternate stop codon (p.K687Nfs*4). This variant is considered to be rare based on population cohorts in the Genome Aggregation Database (gnomAD). This alteration is expected to result in loss of function by premature protein truncation or nonsense-mediated mRNA decay. As such, this alteration is interpreted as a disease-causing mutation.

Literature cited by the submitters: PubMed 27476653 (cited by Labcorp Genetics (formerly Invitae), Labcorp); PubMed 37402566 (cited by Labcorp Genetics (formerly Invitae), Labcorp).

NM_002439.5(MSH3):c.2061_2062del (p.Lys687fs)

Gene: MSH3 (mutS homolog 3; plus strand). Cytogenetic location: 5q14.1.
Variant type: Deletion.
Coding change: c.2061_2062del on transcript NM_002439.5 (MANE Select); coding-DNA positions 2061 to 2062, 2 bases deleted (GA; older notation c.2061_2062delGA).
Protein change: p.Lys687fs; shifts the reading frame from lysine 687.
Molecular consequence: frameshift variant.
Genome position (GRCh38, 1-based): chr5:80,768,097-80,768,098, GA deleted; deleting any 2 consecutive bases within chr5:80,768,096-80,768,098 gives the same sequence; the c. name uses the placement nearest the transcript's 3' end. VCF-style (leftmost placement, unchanged base first): chr5-80768095-AAG-A. GRCh37 (hg19) VCF-style: chr5-80063914-AAG-A.
Other names: short protein forms K687fs.
Identifiers: ClinVar variation 2451062 (VCV002451062.4), dbSNP rs2546773736, ClinGen allele CA2580073606.
Genomic context (GRCh38, chr5:80,768,095, plus strand): 5'-TTGCTCCGGACCGTTATTTTAGAAATTCCTGAACTCCTCAGTCCAGTGGAGCATTACTTA[AAG>A]ATACTCAATGAACAAGCTGCCAAGTAAGTACCAGACCCTGAATTCTTCCTTTTCACCAGT-3'